The following continues an entry in ClinVar:

NM_005236.3(ERCC4):c.1727G>C (p.Arg576Thr)

Gene: ERCC4. ClinVar aggregate classification (germline): Conflicting classifications of pathogenicity. Uncertain significance (9); Benign (1); Likely benign (2).

Submissions 14 to 16 of 16:

Clinical Genetics DNA and cytogenetics Diagnostics Lab, Erasmus MC, Erasmus Medical Center
Classification: Uncertain significance. Review status: no assertion criteria provided. Collection method: clinical testing. Allele origin: germline. Affected: yes. Study: VKGL Data-share Consensus. Not counted in ClinVar's aggregate classification.

Department of Pathology and Laboratory Medicine, Sinai Health System
Classification: Uncertain significance. Review status: no assertion criteria provided. Collection method: clinical testing. Allele origin: unknown. Affected: yes. Study: The Canadian Open Genetics Repository (COGR). Not counted in ClinVar's aggregate classification.
Comment: The ERCC4 p.Arg576Thr variant was identified in 10 of 6374 proband chromosomes (frequency: 0.001569) from individuals with breast cancer, colorectal cancer, pancreatic ductal adenocarcinoma or head and neck squamous cell carcinoma and was present in 2 of 154 control chromosomes (frequency: 0.01299) from healthy individuals (McVeigh_2020_PMID:32008151; West_2018; Shindo_2017_PMID:28767289; Chandrasekharappa_2017_PMID:28678401). The variant was identified in dbSNP (ID: rs1800068) and ClinVar (classified as uncertain significance by Invitae). The variant was identified in control databases in 185 of 281516 chromosomes at a frequency of 0.0006572 increasing the likelihood this could be a low frequency benign variant (Genome Aggregation Database March 6, 2019, v2.1.1). The variant was observed in the following populations: Latino in 45 of 35426 chromosomes (freq: 0.00127), European (non-Finnish) in 126 of 127888 chromosomes (freq: 0.000985), Other in 7 of 7216 chromosomes (freq: 0.00097), African in 5 of 24972 chromosomes (freq: 0.0002) and European (Finnish) in 2 of 25102 chromosomes (freq: 0.00008), but was not observed in the Ashkenazi Jewish, East Asian, or South Asian populations. The p.Arg576 residue is conserved in mammals and computational analyses (PolyPhen-2, SIFT, AlignGVGD, BLOSUM, MutationTaster) provide inconsistent predictions regarding the impact to the protein; this information is not very predictive of pathogenicity. The variant occurs outside of the splicing consensus sequence and in silico or computational prediction software programs (SpliceSiteFinder, MaxEntScan, NNSPLICE, GeneSplicer) do not predict a difference in splicing. Functional assays demonstrated defective DNA repair function after UV-induced DNA damage with ERCC4 p.R576T compared to wildtype (West_2018). In summary, based on the above information the clinical significance of this variant cannot be determined with certainty at this time. This variant is classified as a variant of uncertain significance.

Diagnostic Laboratory, Department of Genetics, University Medical Center Groningen
Classification: Uncertain significance. Review status: no assertion criteria provided. Collection method: clinical testing. Allele origin: germline. Affected: yes. Study: VKGL Data-share Consensus. Not counted in ClinVar's aggregate classification.

Literature cited by the submitters: PubMed 28767289 (cited by Sema4); PubMed 28678401 (cited by Sema4); PubMed 32008151 (cited by Sema4); PubMed 24728327 (cited by Sema4 and ITMI); PubMed 34117267 (cited by Sema4).